The following is an entry in ClinVar:

NM_001267550.2(TTN):c.22653T>C (p.Asp7551=)

Gene: TTN (titin; minus strand). Cytogenetic location: 2q31.2.
Variant type: single nucleotide variant.
Coding change: c.22653T>C on transcript NM_001267550.2 (MANE Select); coding-DNA position 22653, T replaced by C.
Protein change: p.Asp7551=; no amino-acid change (aspartic acid 7551 retained).
Molecular consequence: synonymous variant. On other transcripts: intron variant (3).
Genome position (GRCh38, 1-based): chr2:178,722,010, A>G on the plus strand (T>C on the coding strand, the complement: TTN is on the minus strand). VCF-style: chr2-178722010-A-G. GRCh37 (hg19) VCF-style: chr2-179586737-A-G.
Other names: c.13282+16072T>C (NM_003319.4); c.13858+16072T>C (NM_133437.4); c.13657+16072T>C (NM_133432.3); c.21702T>C, p.Asp7234= (NM_001256850.1); c.18921T>C, p.Asp6307= (NM_133378.4).
Identifiers: ClinVar variation 166165 (VCV000166165.19), dbSNP rs371736246, ClinGen allele CA178975.

ClinVar aggregate classification (germline): Likely benign. Review status: criteria provided, multiple submitters, no conflicts (2 of 4 stars). 5 submissions from 5 submitters: Likely benign (5). Last evaluated 2026-04-07.

Conditions:
TTN-related disorder. Also called: TTN-related condition; TTN-related disease; TTN-related disorders.
Dilated cardiomyopathy 1G (CMD1G). Identifiers: Orphanet 154, MedGen C1858763, MONDO:0011400, OMIM 604145.
Autosomal recessive limb-girdle muscular dystrophy type 2J (LGMDR10). Also called: Limb-girdle muscular dystrophy, type 2J; MUSCULAR DYSTROPHY, LIMB-GIRDLE, AUTOSOMAL RECESSIVE 10. Identifiers: Orphanet 140922, MedGen C1837342, MONDO:0012127, OMIM 608807.

Allele frequency attached by ClinVar (database versions not stated): ESP Exome Variant Server 0.00008; gnomAD 0.00019; TOPMed 0.00034.
gnomAD v4.1: 92 of 1,613,420 alleles (0.0057%); highest among the groups gnomAD compares: African/African-American, 0.067%; 1 homozygote.

Submissions (5):

PreventionGenetics, part of Exact Sciences
Classification: Likely benign for TTN-related condition. Last evaluated: 2026-04-07. Review status: criteria provided, single submitter. Criteria: ACMG Guidelines, 2015. Collection method: clinical testing. Allele origin: germline.
Comment: This variant is classified as likely benign based on ACMG/AMP sequence variant interpretation guidelines (Richards et al. 2015 PMID: 25741868, with internal and published modifications).

Labcorp Genetics (formerly Invitae), Labcorp
Classification: Likely benign for Dilated cardiomyopathy 1G; Autosomal recessive limb-girdle muscular dystrophy type 2J. Last evaluated: 2026-01-06. Review status: criteria provided, single submitter. Criteria: Invitae Variant Classification Sherloc (09022015). Collection method: clinical testing. Allele origin: germline.

Women's Health and Genetics/Laboratory Corporation of America, LabCorp
Classification: Likely benign. Last evaluated: 2025-05-08. Review status: criteria provided, single submitter. Criteria: LabCorp Variant Classification Summary - May 2015. Collection method: clinical testing. Allele origin: germline.

GeneDx
Classification: Likely benign. Last evaluated: 2019-04-03. Review status: criteria provided, single submitter. Criteria: GeneDx Variant Classification Process June 2021. Collection method: clinical testing. Allele origin: germline. Affected: yes.

Laboratory for Molecular Medicine, Mass General Brigham Personalized Medicine
Classification: Likely benign. Last evaluated: 2012-03-19. Review status: criteria provided, single submitter. Criteria: LMM Criteria. Collection method: clinical testing. Allele origin: germline. Observed: 1 variant allele.
Comment: Asp6307Asp in exon 75 of TTN: This variant is not expected to have clinical sign ificance because it does not alter an amino acid residue and is not located with in the splice consensus sequence. It has been identified in 1/3170 African Ameri can chromosomes from a broad population by the NHLBI Exome Sequencing Project.